The following is an entry in ClinVar:

NM_001100913.3(PACS2):c.47T>C (p.Leu16Pro)

Genes: BRF1 (BRF1 general transcription factor IIIB subunit; minus strand), PACS2 (phosphofurin acidic cluster sorting protein 2; plus strand). Cytogenetic location: 14q32.33.
Variant type: single nucleotide variant.
Coding change: c.47T>C on transcript NM_001100913.3 (MANE Select); coding-DNA position 47, T replaced by C.
Protein change: p.Leu16Pro; replaces leucine 16 with proline.
Molecular consequence: missense variant. On other transcripts: intron variant (4).
Genome position (GRCh38, 1-based): chr14:105,314,965, T>C. VCF-style: chr14-105314965-T-C. GRCh37 (hg19) VCF-style: chr14-105781302-T-C.
Other names: c.47T>C, p.Leu16Pro (NM_015197.4); c.-162+357A>G (NM_001440451.1, NM_001242787.2, NM_001242786.2); c.-83+13986T>C (NM_001243127.3); short protein forms L16P.
Identifiers: ClinVar variation 1355779 (VCV001355779.8), dbSNP rs1476260575, ClinGen allele CA391191474.
Genomic context (GRCh38, chr14:105,314,965, plus strand): 5'-GCGGGGCCGGCGCCATGGCCGAGCGAGGCCGCCTCGGCCTCCCCGGCGCGCCCGGCGCGC[T>C]CAACACGCCCGTGCCCATGAACCTGTTCGCCACCTGGGAGGTGGACGGCTCCAGCCCCAG-3'
Protein context (NP_001094383.2, residues 6-26): RLGLPGAPGA[Leu16Pro]NTPVPMNLFA

ClinVar aggregate classification (germline): Uncertain significance (1 of 4 stars; one submission).

Allele frequency attached by ClinVar (database versions not stated): gnomAD 0.00001; gnomAD exomes below 0.00001.
gnomAD v4.1: 3 of 1,203,872 alleles (0.00025%); highest among the groups gnomAD compares: African/African-American, 0.0016%; no homozygotes.

Submission:

Labcorp Genetics (formerly Invitae), Labcorp
Classification: Uncertain significance. Last evaluated: 2025-04-08. Review status: criteria provided, single submitter. Criteria: Invitae Variant Classification Sherloc (09022015). Collection method: clinical testing. Allele origin: germline.
Comment: This sequence change replaces leucine, which is neutral and non-polar, with proline, which is neutral and non-polar, at codon 16 of the PACS2 protein (p.Leu16Pro). This variant is present in population databases (no rsID available, gnomAD 0.01%). This variant has not been reported in the literature in individuals affected with PACS2-related conditions. ClinVar contains an entry for this variant (Variation ID: 1355779). An algorithm developed to predict the effect of missense changes on protein structure and function outputs the following: PolyPhen-2: "Probably Damaging". The proline amino acid residue is found in multiple mammalian species, which suggests that this missense change does not adversely affect protein function. In summary, the available evidence is currently insufficient to determine the role of this variant in disease. Therefore, it has been classified as a Variant of Uncertain Significance.